The following is an entry in ClinVar:

NM_001378615.1(CC2D2A):c.2184C>T (p.Val728=)

Genes: CC2D2A (coiled-coil and C2 domain containing 2A; plus strand), FBXL5 (F-box and leucine rich repeat protein 5; minus strand). Cytogenetic location: 4p15.32.
Variant type: single nucleotide variant.
Coding change: c.2184C>T on transcript NM_001378615.1 (MANE Select); coding-DNA position 2184, C replaced by T.
Protein change: p.Val728=; no amino-acid change (valine 728 retained).
Molecular consequence: synonymous variant.
Genome position (GRCh38, 1-based): chr4:15,550,826, C>T. VCF-style: chr4-15550826-C-T. GRCh37 (hg19) VCF-style: chr4-15552449-C-T.
Other names: c.2184C>T, p.Val728= (NM_001080522.2); c.2037C>T, p.Val679= (NM_001378617.1).
Identifiers: ClinVar variation 1650920 (VCV001650920.10), dbSNP rs1718959533, ClinGen allele CA438387712.

ClinVar aggregate classification (germline): Likely benign. Review status: criteria provided, single submitter (1 of 4 stars). 2 submissions from 2 submitters: Likely benign (1). 1 of the submissions does not count toward it. Last evaluated 2023-11-06.

Conditions:
CC2D2A-related disorder. Also called: CC2D2A-related condition; CC2D2A-related disorders. Identifiers: MedGen CN239313.
Meckel-Gruber syndrome. Also called: DYSENCEPHALIA SPLANCHNOCYSTICA; GRUBER SYNDROME; Dysencephalia splachnocystica. Identifiers: Orphanet 564, MedGen C0265215, MONDO:0018921.
Joubert syndrome. Also called: JOUBERT-BOLTSHAUSER SYNDROME; Familial aplasia of the vermis. Identifiers: Orphanet 475, MedGen C5979921, MONDO:0018772.

Allele frequency attached by ClinVar (database versions not stated): gnomAD 0.00001.

Submissions (2):

Labcorp Genetics (formerly Invitae), Labcorp
Classification: Likely benign for Joubert syndrome; Meckel-Gruber syndrome. Last evaluated: 2023-11-06. Review status: criteria provided, single submitter. Criteria: Invitae Variant Classification Sherloc (09022015). Collection method: clinical testing. Allele origin: germline.

PreventionGenetics, part of Exact Sciences
Classification: Likely benign for CC2D2A-related condition. Last evaluated: 2021-04-14. Review status: no assertion criteria provided. Collection method: clinical testing. Allele origin: germline. Not counted in ClinVar's aggregate classification.
Comment: This variant is classified as likely benign based on ACMG/AMP sequence variant interpretation guidelines (Richards et al. 2015 PMID: 25741868, with internal and published modifications).